The following is an entry in ClinVar:

ClinVar aggregate classification (germline): Uncertain significance (1 of 4 stars; one submission).

Conditions:
Cardiovascular phenotype. Identifiers: MedGen CN230736.

gnomAD v4.1: 5 of 1,614,044 alleles (0.00031%); highest among the groups gnomAD compares: South Asian, 0.0055%; no homozygotes.

Submission:

Ambry Genetics
Classification: Uncertain significance for Cardiovascular phenotype. Last evaluated: 2025-09-18. Review status: criteria provided, single submitter. Criteria: Ambry Variant Classification Scheme 2023. Collection method: clinical testing. Allele origin: germline.
Comment: The p.K329R variant (also known as c.986A>G), located in coding exon 12 of the TXNRD2 gene, results from an A to G substitution at nucleotide position 986. The lysine at codon 329 is replaced by arginine, an amino acid with highly similar properties. This amino acid position is conserved. In addition, this alteration is predicted to be tolerated by in silico analysis. Based on the available evidence, the clinical significance of this variant remains unclear.

NM_006440.5(TXNRD2):c.986A>G (p.Lys329Arg)

Gene: TXNRD2 (thioredoxin reductase 2; minus strand). Cytogenetic location: 22q11.21.
Variant type: single nucleotide variant.
Coding change: c.986A>G on transcript NM_006440.5 (MANE Select); coding-DNA position 986, A replaced by G.
Protein change: p.Lys329Arg; replaces lysine 329 with arginine.
Molecular consequence: missense variant. On other transcripts: non-coding transcript variant (1).
Genome position (GRCh38, 1-based): chr22:19,883,425, T>C on the plus strand (A>G on the coding strand, the complement: TXNRD2 is on the minus strand). VCF-style: chr22-19883425-T-C. GRCh37 (hg19) VCF-style: chr22-19870948-T-C.
Other names: c.983A>G, p.Lys328Arg (NM_001352300.2); c.896A>G, p.Lys299Arg (NM_001352301.2); c.698A>G, p.Lys233Arg (NM_001352302.2); short protein forms K329R, K233R, K299R, K328R.
Identifiers: ClinVar variation 4615391 (VCV004615391.1).